The following is an entry in ClinVar:

ClinVar aggregate classification (germline): Conflicting classifications of pathogenicity. Review status: criteria provided, conflicting classifications (1 of 4 stars). 2 submissions from 2 submitters: Uncertain significance (1); Likely benign (1). Last evaluated 2026-01-24.

Conditions:
Progressive microcephaly-seizures-cortical blindness-developmental delay syndrome. Also called: Seizures, cortical blindness, and microcephaly syndrome. Identifiers: Orphanet 477814, MedGen C5567650, MONDO:0014714, OMIM 616632.
Autosomal dominant nonsyndromic hearing loss 1. Also called: DEAFNESS, AUTOSOMAL DOMINANT 1, WITH OR WITHOUT THROMBOCYTOPENIA; KONIGSMARK SYNDROME. Identifiers: Orphanet 90635, MedGen C1852282, MONDO:0007424, OMIM 124900.

gnomAD v4.1: 2 of 1,613,896 alleles (0.00012%); highest among the groups gnomAD compares: African/African-American, 0.0027%; no homozygotes.

Submissions (2):

Labcorp Genetics (formerly Invitae), Labcorp
Classification: Likely benign for Progressive microcephaly-seizures-cortical blindness-developmental delay syndrome; Autosomal dominant nonsyndromic hearing loss 1. Last evaluated: 2026-01-24. Review status: criteria provided, single submitter. Criteria: Invitae Variant Classification Sherloc (09022015). Collection method: clinical testing. Allele origin: germline.

GeneDx
Classification: Uncertain significance. Last evaluated: 2023-07-28. Review status: criteria provided, single submitter. Criteria: GeneDx Variant Classification Process June 2021. Collection method: clinical testing. Allele origin: germline. Affected: yes.
Comment: Has not been previously published as pathogenic or benign to our knowledge; In silico analysis is inconclusive as to whether the variant alters gene splicing. In the absence of RNA/functional studies, the actual effect of this sequence change is unknown.

NM_005219.5(DIAPH1):c.1212A>T (p.Ser404=)

Gene: DIAPH1 (diaphanous related formin 1; minus strand). Cytogenetic location: 5q31.3.
Variant type: single nucleotide variant.
Coding change: c.1212A>T on transcript NM_005219.5 (MANE Select); coding-DNA position 1212, A replaced by T.
Protein change: p.Ser404=; no amino-acid change (serine 404 retained).
Molecular consequence: synonymous variant.
Genome position (GRCh38, 1-based): chr5:141,577,543, T>A on the plus strand (A>T on the coding strand, the complement: DIAPH1 is on the minus strand). VCF-style: chr5-141577543-T-A. GRCh37 (hg19) VCF-style: chr5-140957110-T-A.
Other names: c.1185A>T, p.Ser395= (NM_001079812.3); c.1212A>T, p.Ser404= (NM_001314007.2).
Identifiers: ClinVar variation 3361667 (VCV003361667.2).